The following is an entry in ClinVar:

ClinVar aggregate classification (germline): Uncertain significance. Review status: criteria provided, multiple submitters, no conflicts (2 of 4 stars). 2 submissions from 2 submitters: Uncertain significance (2). Last evaluated 2026-02-27.

Conditions:
Ataxia-telangiectasia syndrome (AT). Also called: Ataxia-telangiectasia, complementation group D; AT, COMPLEMENTATION GROUP C; ATAXIA-TELANGIECTASIA, COMPLEMENTATION GROUP A; ATAXIA-TELANGIECTASIA, FRESNO VARIANT; Ataxia-telangiectasia; Ataxia telangiectasia (A-T). Identifiers: Orphanet 100, MedGen C0004135, MONDO:0008840, OMIM 208900.
Hereditary cancer-predisposing syndrome. Also called: Neoplastic Syndromes, Hereditary; Hereditary neoplastic syndrome; Tumor predisposition; Hereditary Cancer Syndrome. Identifiers: Orphanet 140162, MedGen C0027672, MeSH D009386, MONDO:0015356.

Submissions (2):

Ambry Genetics
Classification: Uncertain significance for Hereditary cancer-predisposing syndrome. Last evaluated: 2026-02-27. Review status: criteria provided, single submitter. Criteria: Ambry Variant Classification Scheme 2023. Collection method: clinical testing. Allele origin: germline.
Comment: The p.L15P variant (also known as c.44T>C), located in coding exon 1 of the ATM gene, results from a T to C substitution at nucleotide position 44. The leucine at codon 15 is replaced by proline, an amino acid with similar properties. In an assay testing ATM function, this variant showed a functionally abnormal result (Lee KS et al. Cell, 2025 Sep;188:5081-5099.e27). This amino acid position is well conserved in available vertebrate species. In addition, this alteration is predicted to be deleterious by in silico analysis. Based on the available evidence, the clinical significance of this variant remains unclear.

Labcorp Genetics (formerly Invitae), Labcorp
Classification: Uncertain significance for Ataxia-telangiectasia syndrome. Last evaluated: 2025-08-17. Review status: criteria provided, single submitter. Criteria: Invitae Variant Classification Sherloc (09022015). Collection method: clinical testing. Allele origin: germline.
Comment: This sequence change replaces leucine, which is neutral and non-polar, with proline, which is neutral and non-polar, at codon 15 of the ATM protein (p.Leu15Pro). This variant is not present in population databases (gnomAD no frequency). This variant has not been reported in the literature in individuals affected with ATM-related conditions. Invitae Evidence Modeling of protein sequence and biophysical properties (such as structural, functional, and spatial information, amino acid conservation, physicochemical variation, residue mobility, and thermodynamic stability) has been performed for this missense variant. However, the output from this modeling did not meet the statistical confidence thresholds required to predict the impact of this variant on ATM protein function. In summary, the available evidence is currently insufficient to determine the role of this variant in disease. Therefore, it has been classified as a Variant of Uncertain Significance.

Literature cited by the submitters: PubMed 40580951 (cited by Ambry Genetics).

NM_000051.4(ATM):c.44T>C (p.Leu15Pro)

Gene: ATM (ATM serine/threonine kinase; plus strand). Cytogenetic location: 11q22.3.
Variant type: single nucleotide variant.
Coding change: c.44T>C on transcript NM_000051.4 (MANE Select); coding-DNA position 44, T replaced by C.
Protein change: p.Leu15Pro; replaces leucine 15 with proline.
Molecular consequence: missense variant.
Genome position (GRCh38, 1-based): chr11:108,227,668, T>C. VCF-style: chr11-108227668-T-C. GRCh37 (hg19) VCF-style: chr11-108098395-T-C.
Other names: c.44T>C, p.Leu15Pro (NM_001351834.2, NM_001351835.2, NM_001351836.2); short protein forms L15P.
Identifiers: ClinVar variation 4800506 (VCV004800506.2).